The following is an entry in ClinVar:

NM_000038.6(APC):c.2960C>A (p.Ser987Tyr)

Gene: APC (APC regulator of Wnt signaling pathway; plus strand). Cytogenetic location: 5q22.2.
Variant type: single nucleotide variant.
Coding change: c.2960C>A on transcript NM_000038.6 (MANE Select); coding-DNA position 2960, C replaced by A.
Protein change: p.Ser987Tyr; replaces serine 987 with tyrosine.
Molecular consequence: missense variant. On other transcripts: non-coding transcript variant (2).
Genome position (GRCh38, 1-based): chr5:112,838,554, C>A. VCF-style: chr5-112838554-C-A. GRCh37 (hg19) VCF-style: chr5-112174251-C-A.
Other names: c.2960C>A, p.Ser987Tyr (NM_001127510.3, NM_001354895.2, NM_001407450.1); c.2906C>A, p.Ser969Tyr (NM_001127511.3); c.3014C>A, p.Ser1005Tyr (NM_001354896.2, NM_001407447.1, NM_001407448.1 and 1 more transcripts); c.2990C>A, p.Ser997Tyr (NM_001354897.2); c.2885C>A, p.Ser962Tyr (NM_001354898.2); c.2876C>A, p.Ser959Tyr (NM_001354899.2); c.2837C>A, p.Ser946Tyr (NM_001354900.2); c.2783C>A, p.Ser928Tyr (NM_001354901.2, NM_001407453.1); and 11 more; short protein forms S1005Y, S1015Y, S603Y, S704Y, S827Y, S858Y, S861Y, S886Y.
Identifiers: ClinVar variation 3227127 (VCV003227127.1), dbSNP rs1304940708, ClinGen allele CA16027798.

ClinVar aggregate classification (germline): Uncertain significance (1 of 4 stars; one submission).

Conditions:
Hereditary cancer-predisposing syndrome. Also called: Neoplastic Syndromes, Hereditary; Tumor predisposition; Hereditary neoplastic syndrome; Hereditary Cancer Syndrome. Identifiers: Orphanet 140162, MedGen C0027672, MeSH D009386, MONDO:0015356.

Submission:

Ambry Genetics
Classification: Uncertain significance for Hereditary cancer-predisposing syndrome. Last evaluated: 2023-11-09. Review status: criteria provided, single submitter. Criteria: Ambry Variant Classification Scheme 2023. Collection method: clinical testing. Allele origin: germline.
Comment: The p.S987Y variant (also known as c.2960C>A), located in coding exon 15 of the APC gene, results from a C to A substitution at nucleotide position 2960. The serine at codon 987 is replaced by tyrosine, an amino acid with dissimilar properties. This amino acid position is conserved. In addition, in silico predictors for this gene do not accurately predict pathogenicity. Since supporting evidence is limited at this time, the clinical significance of this alteration remains unclear.